The following is an entry in ClinVar:

NC_012920.1(MT-ND5):m.12406G>A

Gene: MT-ND5 (mitochondrially encoded NADH dehydrogenase 5; plus strand).
Variant type: single nucleotide variant.
Genome position: chrM-12406-G-A.
Identifiers: ClinVar variation 693436 (VCV000693436.1), dbSNP rs28617389, ClinGen allele CA337099477.

ClinVar aggregate classification (germline): Benign (1 of 4 stars; one submission).

Conditions:
Leigh syndrome (NULS). Also called: Leigh's necrotizing encephalopathy; Leigh's disease; Leigh Syndrome (mtDNA deletion); Leigh Disease; Subacute necrotizing encephalopathy; Necrotizing encephalopathy infantile subacute of Leigh. Identifiers: Orphanet 506, MedGen C2931891, MONDO:0009723, OMIM 256000.

Submission:

Wong Mito Lab, Molecular and Human Genetics, Baylor College of Medicine
Classification: Benign for Leigh syndrome. Last evaluated: 2019-10-17. Review status: criteria provided, single submitter. Criteria: Modified ACMG Guidelines (Unpublished). Collection method: clinical testing. Allele origin: germline.
Comment: The NC_012920.1:m.12406G>A (YP_003024036.1:p.Val24Ile) variant in MTND5 gene is interpretated to be a Benign variant based on the modified ACMG guidelines (unpublished). This variant meets the following evidence codes: BA1